The following is an entry in ClinVar:

NM_001165963.4(SCN1A):c.5634G>C (p.Glu1878Asp)

Genes: SCN1A (sodium voltage-gated channel alpha subunit 1; minus strand), LOC102724058 (uncharacterized LOC102724058; plus strand). Cytogenetic location: 2q24.3.
Variant type: single nucleotide variant.
Coding change: c.5634G>C on transcript NM_001165963.4 (MANE Select); coding-DNA position 5634, G replaced by C.
Protein change: p.Glu1878Asp; replaces glutamic acid 1878 with aspartic acid.
Molecular consequence: missense variant. On other transcripts: non-coding transcript variant (1).
Genome position (GRCh38, 1-based): chr2:165,991,641, C>G on the plus strand (G>C on the coding strand, the complement: SCN1A is on the minus strand). VCF-style: chr2-165991641-C-G. GRCh37 (hg19) VCF-style: chr2-166848151-C-G.
Other names: c.5550G>C, p.Glu1850Asp (NM_001165964.3, NM_001353957.2, NM_001353958.2); c.5634G>C, p.Glu1878Asp (NM_001202435.3, NM_001353948.2); c.5601G>C, p.Glu1867Asp (NM_001353949.2, NM_001353950.2, NM_001353951.2 and 2 more transcripts); c.5598G>C, p.Glu1866Asp (NM_001353954.2, NM_001353955.2); c.5547G>C, p.Glu1849Asp (NM_001353960.2); c.3192G>C, p.Glu1064Asp (NM_001353961.2); c.5634G>C (NM_001165963.3); short protein forms E1849D, E1064D, E1850D, E1867D, E1878D, E1866D.
Identifiers: ClinVar variation 940921 (VCV000940921.13), dbSNP rs748090629, ClinGen allele CA349065070.

ClinVar aggregate classification (germline): Uncertain significance. Review status: criteria provided, multiple submitters, no conflicts (2 of 4 stars). 4 submissions from 4 submitters: Uncertain significance (4). Last evaluated 2024-08-13.

Conditions:
Early-infantile DEE. Also called: Early infantile epileptic encephalopathy; Ohtahara syndrome; Early infantile epileptic encephalopathy with suppression bursts. Identifiers: Orphanet 1934, MedGen C0393706, MONDO:0800491.
Developmental and epileptic encephalopathy, 6A. Also called: SCN1A-Related Severe Myoclonic Epilepsy in Infancy; Early Infantile Epileptic Encephalopathy 6; Developmental and epileptic encephalopathy, 6. Identifiers: MedGen CN293401, MONDO:0100079.
Inborn genetic diseases. Identifiers: MedGen C0950123, MeSH D030342.

gnomAD v4.1: 11 of 1,613,954 alleles (0.00068%); highest among the groups gnomAD compares: South Asian, 0.0022%; no homozygotes.

Submissions (4):

Labcorp Genetics (formerly Invitae), Labcorp
Classification: Uncertain significance for Early-infantile DEE. Last evaluated: 2024-08-13. Review status: criteria provided, single submitter. Criteria: Invitae Variant Classification Sherloc (09022015). Collection method: clinical testing. Allele origin: germline.
Comment: This sequence change replaces glutamic acid, which is acidic and polar, with aspartic acid, which is acidic and polar, at codon 1878 of the SCN1A protein (p.Glu1878Asp). This variant is present in population databases (no rsID available, gnomAD 0.003%). This variant has not been reported in the literature in individuals affected with SCN1A-related conditions. ClinVar contains an entry for this variant (Variation ID: 940921). Advanced modeling of protein sequence and biophysical properties (such as structural, functional, and spatial information, amino acid conservation, physicochemical variation, residue mobility, and thermodynamic stability) performed at Invitae indicates that this missense variant is not expected to disrupt SCN1A protein function with a negative predictive value of 95%. In summary, the available evidence is currently insufficient to determine the role of this variant in disease. Therefore, it has been classified as a Variant of Uncertain Significance.

Revvity Omics, Revvity
Classification: Uncertain significance. Last evaluated: 2023-01-12. Review status: criteria provided, single submitter. Criteria: ACMG Guidelines, 2015. Collection method: clinical testing. Allele origin: germline.

Ambry Genetics
Classification: Uncertain significance for Inborn genetic diseases. Last evaluated: 2020-09-15. Review status: criteria provided, single submitter. Criteria: Ambry Variant Classification Scheme 2023. Collection method: clinical testing. Allele origin: germline.
Comment: The p.E1878D variant (also known as c.5634G>C), located in coding exon 26 of the SCN1A gene, results from a G to C substitution at nucleotide position 5634. The glutamic acid at codon 1878 is replaced by aspartic acid, an amino acid with highly similar properties. This variant was reported as inherited from an unaffected mother on whole exome findings for a PIGN-related epilepsy case with several additional variants also reported (Fleming L et al. Am. J. Med. Genet. A, 2016 Jan;170A:77-86). This amino acid position is highly conserved in available vertebrate species. In addition, the in silico prediction for this alteration is inconclusive. Since supporting evidence is limited at this time, the clinical significance of this alteration remains unclear.

Victorian Clinical Genetics Services, Murdoch Childrens Research Institute
Classification: Uncertain significance for Developmental and epileptic encephalopathy, 6A. Last evaluated: 2020-05-25. Review status: criteria provided, single submitter. Criteria: ACMG Guidelines, 2015. Collection method: clinical testing. Allele origin: germline. Inheritance: Autosomal dominant inheritance.
Comment: A heterozygous missense variant was identified, NM_006920.4(SCN1A):c.5601G>C in exon 26 of 26 of the SCN1A gene. This substitution is predicted to create a minor amino acid change from a glutamic acid to an aspartic aicd at position 1867 of the protein; NP_008851.3(SCN1A):p.(Glu1867Asp). The glutamic acid at this position has high conservation (100 vertebrates, UCSC), and is not situated in a known functional domain. In silico software predictions of the pathogenicity of this variant are conflicting (Polyphen, SIFT, CADD, Mutation Taster). The variant is present in the gnomAD population database at a frequency of 0.0008% (2 heterozygotes). Several alternative residue changes at the same location has been reported in the gnomAD database at a highest frequency of 0.005%. This variant has not previously been reported in clinical cases. Based on information available at the time of curation, this variant has been classified as a VUS.

Literature cited by the submitters: PubMed 26394714 (cited by Ambry Genetics).